The following is an entry in ClinVar:

ClinVar aggregate classification (germline): Likely benign. Review status: reviewed by expert panel (3 of 4 stars). 8 submissions from 8 submitters: Likely benign (1). 7 of the submissions do not count toward it. Last evaluated 2017-06-29.

Conditions:
Breast-ovarian cancer, familial, susceptibility to, 1 (BROVCA1). Also called: BRCA1 Hereditary Breast and Ovarian Cancer; OVARIAN CANCER, SUSCEPTIBILITY TO. Identifiers: Orphanet 145, MedGen C2676676, MONDO:0011450, OMIM 604370. Disease mechanism: loss of function.
Hereditary breast ovarian cancer syndrome. Also called: Hereditary breast and ovarian cancer syndrome; Breast and ovarian cancer; Hereditary breast and ovarian cancer syndrome (HBOC); Hereditary breast and/or ovarian cancer syndrome; BRCA1- and BRCA2-Associated Hereditary Breast and Ovarian Cancer; Hereditary breast and ovarian cancer. Identifiers: Orphanet 145, MedGen C0677776, MeSH D061325, MONDO:0003582. Disease mechanism: loss of function.
Hereditary cancer-predisposing syndrome. Also called: Neoplastic Syndromes, Hereditary; Hereditary neoplastic syndrome; Hereditary Cancer Syndrome; Tumor predisposition. Identifiers: Orphanet 140162, MedGen C0027672, MeSH D009386, MONDO:0015356.

Allele frequency attached by ClinVar (database versions not stated): gnomAD exomes 0.00001 and 0.00002; TOPMed 0.00001; ExAC 0.00002.
gnomAD v4.1: 17 of 1,613,804 alleles (0.0011%); highest among the groups gnomAD compares: South Asian, 0.019%; no homozygotes.

Submissions (8):

Evidence-based Network for the Interpretation of Germline Mutant Alleles (ENIGMA)
Classification: Likely benign for Breast-ovarian cancer, familial, susceptibility to, 1. Last evaluated: 2017-06-29. Review status: reviewed by expert panel. Criteria: ENIGMA BRCA1/2 Classification Criteria (2017-06-29). Collection method: curation. Allele origin: germline.
Comment: Synonymous substitution variant, with low bioinformatic likelihood to result in a splicing aberration (Splicing prior probability 0.02).

Labcorp Genetics (formerly Invitae), Labcorp
Classification: Likely benign for Hereditary breast ovarian cancer syndrome. Last evaluated: 2025-10-01. Review status: criteria provided, single submitter. Criteria: Invitae Variant Classification Sherloc (09022015). Collection method: clinical testing. Allele origin: germline. Not counted in ClinVar's aggregate classification.

Center for Genomic Medicine, Rigshospitalet, Copenhagen University Hospital
Classification: Likely benign. Last evaluated: 2025-03-04. Review status: criteria provided, single submitter. Criteria: ACMG Guidelines, 2015. Collection method: clinical testing. Allele origin: germline. Not counted in ClinVar's aggregate classification.

Women's Health and Genetics/Laboratory Corporation of America, LabCorp
Classification: Likely benign. Last evaluated: 2025-01-31. Review status: criteria provided, single submitter. Criteria: LabCorp Variant Classification Summary - May 2015. Collection method: clinical testing. Allele origin: germline. Not counted in ClinVar's aggregate classification.

Sema4
Classification: Likely benign for Hereditary cancer-predisposing syndrome. Last evaluated: 2020-05-06. Review status: criteria provided, single submitter. Criteria: Sema4 Curation Guidelines. Collection method: curation. Allele origin: germline. Not counted in ClinVar's aggregate classification.

GeneDx
Classification: Likely benign. Last evaluated: 2019-12-03. Review status: criteria provided, single submitter. Criteria: GeneDx Variant Classification Process June 2021. Collection method: clinical testing. Allele origin: germline. Affected: yes. Not counted in ClinVar's aggregate classification.

Ambry Genetics
Classification: Likely benign for Hereditary cancer-predisposing syndrome. Last evaluated: 2017-06-09. Review status: criteria provided, single submitter. Criteria: Ambry Variant Classification Scheme 2023. Collection method: clinical testing. Allele origin: germline. Not counted in ClinVar's aggregate classification.

Color Diagnostics, LLC DBA Color Health
Classification: Likely benign for Hereditary cancer-predisposing syndrome. Last evaluated: 2016-10-29. Review status: criteria provided, single submitter. Criteria: ACMG Guidelines, 2015. Collection method: clinical testing. Allele origin: germline. Not counted in ClinVar's aggregate classification.

NM_007294.4(BRCA1):c.2217A>G (p.Lys739=)

Gene: BRCA1 (BRCA1 DNA repair associated; minus strand). Cytogenetic location: 17q21.31.
Variant type: single nucleotide variant.
Coding change: c.2217A>G on transcript NM_007294.4 (MANE Select); coding-DNA position 2217, A replaced by G.
Protein change: p.Lys739=; no amino-acid change (lysine 739 retained).
Molecular consequence: synonymous variant. On other transcripts: intron variant (137).
Genome position (GRCh38, 1-based): chr17:43,093,314, T>C on the plus strand (A>G on the coding strand, the complement: BRCA1 is on the minus strand). VCF-style: chr17-43093314-T-C. GRCh37 (hg19) VCF-style: chr17-41245331-T-C.
Other names: c.2139A>G, p.Lys713= (NM_001407654.1, NM_001407655.1, NM_001407656.1 and 4 more transcripts); c.2136A>G, p.Lys712= (NM_001407659.1, NM_001407660.1, NM_001407661.1 and 1 more transcripts); c.2094A>G, p.Lys698= (NM_001407664.1, NM_001407665.1, NM_001407666.1 and 19 more transcripts); c.2091A>G, p.Lys697= (NM_001407670.1, NM_001407671.1, NM_001407672.1 and 11 more transcripts); c.2217A>G, p.Lys739= (NM_001407684.1, NM_001407854.1, NM_001407858.1 and 30 more transcripts); c.2076A>G, p.Lys692= (NM_001407692.1, NM_001407694.1, NM_001407695.1 and 29 more transcripts); c.2073A>G, p.Lys691= (NM_001407740.1, NM_001407741.1, NM_001407742.1 and 20 more transcripts); c.2004A>G, p.Lys668= (NM_001407853.1, NM_001407894.1, NM_001407895.1 and 9 more transcripts); and 41 more.
Identifiers: ClinVar variation 415580 (VCV000415580.24), dbSNP rs200521980, ClinGen allele CA058733.
Genomic context (GRCh38, chr17:43,093,314, plus strand): 5'-TTGCAAAACCCTTTCTCCACTTAACATGAGATCTTTGGGGTCTTCAGCATTATTAGACAC[T>C]TTAACTGTTTCTAGTTTCTCTTCTTTTTCTTCTCTTGGAAGGCTAGGATTGACAAATTCT-3'
Protein context (NP_009225.1, residues 729-749): EEKEEKLETV[Lys739=]VSNNAEDPKD